The following is an entry in ClinVar:

NM_001267550.2(TTN):c.89580G>T (p.Leu29860Phe)

Genes: TTN (titin; minus strand), TTN-AS1 (TTN antisense RNA 1; plus strand). Cytogenetic location: 2q31.2.
Variant type: single nucleotide variant.
Coding change: c.89580G>T on transcript NM_001267550.2 (MANE Select); coding-DNA position 89580, G replaced by T.
Protein change: p.Leu29860Phe; replaces leucine 29860 with phenylalanine.
Molecular consequence: missense variant.
Genome position (GRCh38, 1-based): chr2:178,553,320, C>A on the plus strand (G>T on the coding strand, the complement: TTN is on the minus strand). VCF-style: chr2-178553320-C-A. GRCh37 (hg19) VCF-style: chr2-179418047-C-A.
Other names: c.84657G>T, p.Leu28219Phe (NM_001256850.1); c.62385G>T, p.Leu20795Phe (NM_003319.4); c.81876G>T, p.Leu27292Phe (NM_133378.4); c.62760G>T, p.Leu20920Phe (NM_133432.3); c.62961G>T, p.Leu20987Phe (NM_133437.4); short protein forms L20795F, L20920F, L20987F, L27292F, L28219F, L29860F.
Identifiers: ClinVar variation 3348578 (VCV003348578.1).

ClinVar aggregate classification (germline): Uncertain significance (0 of 4 stars; one submission).

Conditions:
TTN-related disorder. Also called: TTN-related disorders; TTN-related condition; TTN-related disease.

Submission:

PreventionGenetics, part of Exact Sciences
Classification: Uncertain significance for TTN-related condition. Last evaluated: 2024-05-23. Review status: no assertion criteria provided. Collection method: clinical testing. Allele origin: germline.
Comment: The TTN c.89580G>T variant is predicted to result in the amino acid substitution p.Leu29860Phe. To our knowledge, this variant has not been reported in the literature or in a large population database, indicating this variant is rare. At this time, the clinical significance of this variant is uncertain due to the absence of conclusive functional and genetic evidence.